The following is an entry in ClinVar:

ClinVar aggregate classification (germline): Uncertain significance (1 of 4 stars; one submission).

Conditions:
Baller-Gerold syndrome (BGS). Also called: CRANIOSYNOSTOSIS WITH RADIAL DEFECTS. Identifiers: Orphanet 1225, MedGen C0265308, MONDO:0009039, OMIM 218600.

Submission:

Labcorp Genetics (formerly Invitae), Labcorp
Classification: Uncertain significance for Baller-Gerold syndrome. Last evaluated: 2022-11-26. Review status: criteria provided, single submitter. Criteria: Invitae Variant Classification Sherloc (09022015). Collection method: clinical testing. Allele origin: germline.
Comment: In summary, the available evidence is currently insufficient to determine the role of this variant in disease. Therefore, it has been classified as a Variant of Uncertain Significance. Variants that disrupt the consensus splice site are a relatively common cause of aberrant splicing (PMID: 17576681, 9536098). Algorithms developed to predict the effect of sequence changes on RNA splicing suggest that this variant may disrupt the consensus splice site. This variant has not been reported in the literature in individuals affected with RECQL4-related conditions. This variant is not present in population databases (gnomAD no frequency). This sequence change falls in intron 17 of the RECQL4 gene. It does not directly change the encoded amino acid sequence of the RECQL4 protein. It affects a nucleotide within the consensus splice site.

Literature cited by the submitters: PubMed 17576681; PubMed 9536098.

NM_004260.4(RECQL4):c.3055+5G>T

Gene: RECQL4 (RecQ like helicase 4; minus strand). Cytogenetic location: 8q24.3.
Variant type: single nucleotide variant.
Coding change: c.3055+5G>T on transcript NM_004260.4 (MANE Select); 5 bases into the intron after coding-DNA position 3055, G replaced by T.
Molecular consequence: intron variant.
Genome position (GRCh38, 1-based): chr8:144,512,387, C>A on the plus strand (G>T on the coding strand, the complement: RECQL4 is on the minus strand). VCF-style: chr8-144512387-C-A. GRCh37 (hg19) VCF-style: chr8-145737770-C-A.
Other names: c.2926+5G>T (NM_001413025.1); c.2704+5G>T (NM_001413029.1); c.1918+5G>T (NM_001413032.1, NM_001413027.1, NM_001413030.1); c.1984+5G>T (NM_001413035.1, NM_001413040.1, NM_001413021.1 and 4 more transcripts); c.2761+5G>T (NM_001413017.1); c.2959+5G>T (NM_001413020.1); c.3025+5G>T (NM_001413039.1); c.2923+5G>T (NM_001413033.1); and 9 more.
Identifiers: ClinVar variation 2816910 (VCV002816910.3), dbSNP rs377031190, ClinGen allele CA2739269072.